The following is an entry in ClinVar:

ClinVar aggregate classification (germline): Pathogenic (1 of 4 stars; one submission).

Conditions:
Ehlers-Danlos syndrome, type 4 (EDSVASC). Also called: Ehlers-Danlos syndrome vascular type; Ehlers Danlos syndrome, ecchymotic type; Ehlers Danlos syndrome, arterial type; Ehlers Danlos syndrome, Sack-Barabas type; Ehlers-Danlos Syndrome Type IV. Identifiers: Orphanet 286, MedGen C0268338, MONDO:0017314, OMIM 130050.

Submission:

Labcorp Genetics (formerly Invitae), Labcorp
Classification: Pathogenic for Ehlers-Danlos syndrome, type 4. Last evaluated: 2024-10-22. Review status: criteria provided, single submitter. Criteria: Invitae Variant Classification Sherloc (09022015). Collection method: clinical testing. Allele origin: germline.
Comment: This sequence change replaces glycine, which is neutral and non-polar, with arginine, which is basic and polar, at codon 207 of the COL3A1 protein (p.Gly207Arg). This variant is not present in population databases (gnomAD no frequency). This variant has not been reported in the literature in individuals affected with COL3A1-related conditions. Invitae Evidence Modeling of protein sequence and biophysical properties (such as structural, functional, and spatial information, amino acid conservation, physicochemical variation, residue mobility, and thermodynamic stability) indicates that this missense variant is expected to disrupt COL3A1 protein function with a positive predictive value of 95%. This variant disrupts the triple helix domain of COL3A1. Glycine residues within the Gly-Xaa-Yaa repeats of the triple helix domain are required for the structure and stability of fibrillar collagens (PMID: 7695699, 8218237, 19344236). In COL3A1, variants that affect these glycine residues are significantly enriched in individuals with disease (PMID: 24922459, 25758994) compared to the general population (ExAC). This variant disrupts the p.Gly207 amino acid residue in COL3A1. Other variant(s) that disrupt this residue have been observed in individuals with COL3A1-related conditions (PMID: 27306637, 30474650; internal data), which suggests that this may be a clinically significant amino acid residue. For these reasons, this variant has been classified as Pathogenic.

Literature cited by the submitters: PubMed 7695699; PubMed 8218237; PubMed 19344236; PubMed 24922459; PubMed 25758994; PubMed 27306637; PubMed 30474650.

NM_000090.4(COL3A1):c.619G>A (p.Gly207Arg)

Gene: COL3A1 (collagen type III alpha 1 chain; plus strand). Cytogenetic location: 2q32.2.
Variant type: single nucleotide variant.
Coding change: c.619G>A on transcript NM_000090.4 (MANE Select); coding-DNA position 619, G replaced by A.
Protein change: p.Gly207Arg; replaces glycine 207 with arginine.
Molecular consequence: missense variant.
Genome position (GRCh38, 1-based): chr2:188,988,626, G>A. VCF-style: chr2-188988626-G-A. GRCh37 (hg19) VCF-style: chr2-189853352-G-A.
Other names: short protein forms G207R.
Identifiers: ClinVar variation 2864568 (VCV002864568.3), dbSNP rs1553507274, ClinGen allele CA349848380.